The following is an entry in ClinVar:

NM_001365951.3(KIF1B):c.4388A>G (p.Lys1463Arg)

Gene: KIF1B (kinesin family member 1B; plus strand). Cytogenetic location: 1p36.22.
Variant type: single nucleotide variant.
Coding change: c.4388A>G on transcript NM_001365951.3 (MANE Select); coding-DNA position 4388, A replaced by G.
Protein change: p.Lys1463Arg; replaces lysine 1463 with arginine.
Molecular consequence: missense variant.
Genome position (GRCh38, 1-based): chr1:10,365,121, A>G. VCF-style: chr1-10365121-A-G. GRCh37 (hg19) VCF-style: chr1-10425179-A-G.
Other names: c.4388A>G, p.Lys1463Arg (NM_001365952.1); c.4250A>G, p.Lys1417Arg (NM_015074.3); short protein forms K1417R, K1463R.
Identifiers: ClinVar variation 1720008 (VCV001720008.5), dbSNP rs1275049913, ClinGen allele CA338320126.

ClinVar aggregate classification (germline): Uncertain significance (1 of 4 stars; one submission).

Conditions:
Charcot-Marie-Tooth disease type 2. Also called: Charcot-Marie-Tooth type 2. Identifiers: Orphanet 64746, MedGen C0270914, MONDO:0018993.

Allele frequency attached by ClinVar (database versions not stated): TOPMed below 0.00001.

Submission:

Labcorp Genetics (formerly Invitae), Labcorp
Classification: Uncertain significance for Charcot-Marie-Tooth disease type 2. Last evaluated: 2022-09-21. Review status: criteria provided, single submitter. Criteria: Invitae Variant Classification Sherloc (09022015). Collection method: clinical testing. Allele origin: germline.
Comment: Algorithms developed to predict the effect of missense changes on protein structure and function output the following: SIFT: "Tolerated"; PolyPhen-2: "Probably Damaging"; Align-GVGD: "Class C0". The arginine amino acid residue is found in multiple mammalian species, which suggests that this missense change does not adversely affect protein function. This variant has not been reported in the literature in individuals affected with KIF1B-related conditions. This variant is not present in population databases (gnomAD no frequency). This sequence change replaces lysine, which is basic and polar, with arginine, which is basic and polar, at codon 1417 of the KIF1B protein (p.Lys1417Arg). In summary, the available evidence is currently insufficient to determine the role of this variant in disease. Therefore, it has been classified as a Variant of Uncertain Significance.